The following continues an entry in ClinVar:

NM_000350.3(ABCA4):c.3113C>T (p.Ala1038Val)

Gene: ABCA4. ClinVar aggregate classification (germline): Pathogenic/Likely pathogenic. Pathogenic (30); Likely pathogenic (6).

Submissions 26 to 40 of 50:

Ocular Genomics Institute, Massachusetts Eye and Ear
Classification: Likely pathogenic for Severe early-childhood-onset retinal dystrophy. Last evaluated: 2021-04-08. Review status: criteria provided, single submitter. Criteria: ACMG Guidelines, 2015. Collection method: research. Allele origin: germline. Affected: yes.
Comment: Through a review of available evidence we were able to apply the following criteria: PS3, PM3, PP5, BP4. Based on this evidence we have classified this variant as Likely Pathogenic.

Genetics and Molecular Pathology, SA Pathology
Classification: Pathogenic for Retinal dystrophy. Last evaluated: 2021-02-25. Review status: criteria provided, single submitter. Criteria: ACMG Guidelines, 2015. Collection method: clinical testing. Allele origin: germline. Affected: yes.

Institute of Medical Genetics and Applied Genomics, University Hospital Tübingen
Classification: Pathogenic. Last evaluated: 2020-10-23. Review status: criteria provided, single submitter. Criteria: ACMG Guidelines, 2015. Collection method: clinical testing. Allele origin: germline. Inheritance: Unknown mechanism. Affected: yes.

ARUP Laboratories, Molecular Genetics and Genomics, ARUP Laboratories
Classification: Likely pathogenic. Last evaluated: 2019-03-04. Review status: criteria provided, single submitter. Criteria: ARUP Molecular Germline Variant Investigation Process. Collection method: clinical testing. Allele origin: germline.
Comment: The ABCA4 c.3113C>T;p.Ala1038Val variant (rs61751374) has been published in the literature in individuals with Stargardt disease and has been described as a common pathogenic allele (Allikments 1997, Burke 2012, Oh 2004, Rivera 2000). The variant has also been described as segregating with disease in at least one family (Burke 2012). However, this variant has been published on the same chromosome with another variant, p.Leu541Pro (Cella 2009, Serapinas 2013) with one study implicating p.Leu541Pro as the pathogenic variant (Wiszniewski 2005). However, the p.Ala1038Val variant has been described in several affected individuals without the p.Leu541Pro variant (Rivera 2000), and it is listed as pathogenic in ClinVar (Variation ID: 7894). The alanine at codon 1038 is highly conserved, and while computational analyses (SIFT, PolyPhen-2) predict that this variant is tolerated, functional analyses indicate a defect in ATP hydrolysis (Sun 2000, Zhang 2015). Based on available information, this variant is considered to be likely pathogenic. References: Allikmets R et al. A photoreceptor cell-specific ATP-binding transporter gene (ABCR) is mutated in recessive Stargardt macular dystrophy. Nat Genet. 1997 15(3):236-46. Burke TR et al. Familial discordance in Stargardt disease. Mol Vis. 2012 18:227-33. Cella W et al. G1961E mutant allele in the Stargardt disease gene ABCA4 causes bull's eye maculopathy. Exp Eye Res. 2009 89(1):16-24. Oh KT et al. Electroretinographic findings in patients with Stargardt disease and fundus flavimaculatus. Retina. 2004 24(6):920-8. Rivera A et al. A comprehensive survey of sequence variation in the ABCA4 (ABCR) gene in Stargardt disease and age-related macular degeneration. Am J Hum Genet. 2000 Oct;67(4):800-13. Serapinas D et al. Stargardt disease caused by a rare combination of double homozygous mutations. Medicina (Kaunas). 2013 49(8):386-91. Sun H et al. Biochemical defects in ABCR protein variants associated with human retinopathies. Nat Genet. 2000 Oct;26(2):242-6. Wiszniewski W et al. ABCA4 mutations causing mislocalization are found frequently in patients with severe retinal dystrophies. Hum Mol Genet. 2005 14(19):2769-78. Zhang N et al. Protein misfolding and the pathogenesis of ABCA4-associated retinal degenerations. Hum Mol Genet. 2015 Jun 1;24(11):3220-37.

Centre of Medical Genetics, University Hospital Muenster
Classification: Pathogenic for Severe early-childhood-onset retinal dystrophy. Last evaluated: 2019-01-08. Review status: criteria provided, single submitter. Criteria: ACMG Guidelines, 2015. Collection method: clinical testing. Allele origin: germline. Affected: yes. Observed: 1 variant allele, 1 compound heterozygote.
Comment: ACMG categories: PS1,PS3,PP2,PP3,PP5

Institute of Human Genetics, University of Leipzig Medical Center
Classification: Pathogenic for Cone-rod dystrophy 3. Last evaluated: 2019-01-01. Review status: criteria provided, single submitter. Criteria: ACMG Guidelines, 2015. Collection method: clinical testing. Allele origin: unknown. Affected: yes.
Comment: This variant was identified as compound heterozygous.

Centre for Mendelian Genomics, University Medical Centre Ljubljana
Classification: Pathogenic for Age related macular degeneration 2. Last evaluated: 2018-11-23. Review status: criteria provided, single submitter. Criteria: ACMG Guidelines, 2015. Collection method: clinical testing. Allele origin: unknown. Affected: yes.
Comment: This variant was classified as: Pathogenic. The following ACMG criteria were applied in classifying this variant: PS1,PS3,PP2.

Illumina Laboratory Services, Illumina
Classification: Pathogenic for ABCA4-Related Disorders. Last evaluated: 2017-06-27. Review status: criteria provided, single submitter. Criteria: ICSL Variant Classification Criteria 09 May 2019. Collection method: clinical testing. Allele origin: germline.
Comment: Across a selection of the available literature, the c.3113C>T (p.Ala1038Val) missense variant has been identified in a compound heterozygous state in four individuals, including two siblings, with Stargardt disease (STGD) (Rivera et al. 2000; Burke et al. 2012). The p.Ala1038Val variant has also been reported as part of a complex allele with a second missense variant in 33 patients including four patients in a homozygous state, 28 patients in a compound heterozygous state, and one patient in a heterozygous state (Rivera et al. 2000; Briggs et al. 2001; Wiszniewski et al. 2005; Zhang et al. 2015; Zolnikova et al. 2017). The majority of these individuals were diagnosed with STGD. The p.Ala1038Val variant was reported in one of 510 controls in a heterozygous state (Allikmets et al. 1997; Rivera et al. 2000) and is reported at a frequency of 0.00551 in the European (Finnish) population of the Genome Aggregation Database. Two homozygotes were also reported, one each in the European (non-Finnish) and Latino populations. Expression in Xenopus laevis rods showed that the complex allele and second missense variant result in mislocalization of the protein, but the p.Ala1038Val variant protein had wild type localization. In the same study, expression in COS7 cells revealed that the rate of ATP hydrolysis of the complex allele is 68.1% of wild type (Wiszniewski et al. 2005). In another study, the basal activity of variant p.Ala1038Val protein was approximately 70% of wild type, but it was able to be stimulated by all-trans-retinal, suggesting that presence of this variant may still result in transport of the substrate (Zhang et al. 2015). However, in another study, while expression of variant p.Ala1038Val showed it produced protein levels comparable to wild type, it was defective in ATP binding and it had reduced basal ATPase activity and reduced all-trans-retinal-stimulated ATP hydrolysis (Sun et al. 2000). Based on the collective evidence, the p.Ala1038Val variant when present on a complex allele is classified as pathogenic for ABCA4-related disorders. This variant was observed by ICSL as part of a predisposition screen in an ostensibly healthy population.

Eurofins Ntd Llc (ga)
Classification: Pathogenic. Last evaluated: 2016-11-16. Review status: criteria provided, single submitter. Criteria: EGL Classification Definitions 2015. Collection method: clinical testing. Allele origin: germline. Observed: 21 variant alleles, 21 heterozygotes.

Institute of Human Genetics, Univ. Regensburg, Univ. Regensburg
Classification: Pathogenic for Severe early-childhood-onset retinal dystrophy. Last evaluated: 2016-01-01. Review status: criteria provided, single submitter. Criteria: Schulz et al. (Invest Ophthalmol Vis Sci. 2017). Collection method: clinical testing. Allele origin: germline. Affected: yes. Observed: 37 heterozygotes, 2 homozygotes.

Clinical Genetics Service, Universitary Hospital 12 de Octubre
Classification: Likely pathogenic for Severe early-childhood-onset retinal dystrophy. Review status: criteria provided, single submitter. Criteria: ACMG Guidelines, 2015. Collection method: clinical testing. Allele origin: germline. Affected: yes.

Clinical Genetics Laboratory, University Hospital Schleswig-Holstein
Classification: Pathogenic for Age related macular degeneration 2; Severe early-childhood-onset retinal dystrophy; Retinitis pigmentosa 19; Cone-rod dystrophy 3. Last evaluated: 2024-07-19. Review status: no assertion criteria provided. Collection method: clinical testing. Allele origin: germline. Affected: yes. Not counted in ClinVar's aggregate classification.

Clinical Genetics Laboratory, University Hospital Schleswig-Holstein
Classification: Pathogenic for Severe early-childhood-onset retinal dystrophy. Last evaluated: 2024-06-07. Review status: no assertion criteria provided. Collection method: clinical testing. Allele origin: germline. Affected: yes. Not counted in ClinVar's aggregate classification.

Reproductive Health Research and Development, BGI Genomics
Classification: Pathogenic for Severe early-childhood-onset retinal dystrophy. Last evaluated: 2020-01-06. Review status: no assertion criteria provided. Collection method: curation. Allele origin: germline. Not counted in ClinVar's aggregate classification.
Comment: NM_000350.2:c.3113C>T in the ABCA4 gene has an allele frequency of 0.006 in European(Finnish) subpopulation in the gnomAD database. The p.Ala1038Val (NM_000350.2:c.3113C>T) variant in the ABCA4 gene has been reported numerous times in association with autosomal recessive cone-rod dystrophy and Stargardt disease (PMID: 10958763; 11527935; 16103129; 25712131; 27939946). It was detected in multiple individuals with autosomal recessive Stargardt disease, compound heterozygous with c.5882G>A (p.Gly1961Glu), IVS40+5G>A (PMID:10958763), c.1988G>A (p.Trp663Ter) (PMID: 22312191). The patient's phenotype is highly specific for ABCA4 gene (PMID:10958763). Functional studies demonstrate that both the L541P/A1038V complex allele as well as the L541P and A1038V variants independently result in reduced ATPase activity; however, the affect of A1038V is milder compared to that of L541P alone or the L541P/A1038V complex allele (PMID: 11017087; 16103129; 25712131). Taken together, we interprete this variant as Pathogenic/Likely pathogenic variant. ACMG/AMP criteria applied: PS3; PM3_Strong; PP4

Sharon lab, Hadassah-Hebrew University Medical Center
Classification: Likely pathogenic for Stargardt disease. Last evaluated: 2019-06-23. Review status: no assertion criteria provided. Collection method: research. Allele origin: inherited. Affected: yes. Not counted in ClinVar's aggregate classification.